The following is an entry in ClinVar:

NM_000130.5(F5):c.6434C>T (p.Ser2145Phe)

Gene: F5 (coagulation factor V; minus strand). Cytogenetic location: 1q24.2.
Variant type: single nucleotide variant.
Coding change: c.6434C>T on transcript NM_000130.5 (MANE Select); coding-DNA position 6434, C replaced by T.
Protein change: p.Ser2145Phe; replaces serine 2145 with phenylalanine.
Molecular consequence: missense variant.
Genome position (GRCh38, 1-based): chr1:169,515,538, G>A on the plus strand (C>T on the coding strand, the complement: F5 is on the minus strand). VCF-style: chr1-169515538-G-A. GRCh37 (hg19) VCF-style: chr1-169484776-G-A.
Other names: short protein forms S2145F.
Identifiers: ClinVar variation 4742241 (VCV004742241.1).

ClinVar aggregate classification (germline): Uncertain significance (1 of 4 stars; one submission).

Conditions:
Congenital factor V deficiency. Also called: LABILE FACTOR DEFICIENCY; OWREN PARAHEMOPHILIA; PARAHEMOPHILIA; Hereditary factor V deficiency disease. Identifiers: Orphanet 326, MedGen C0015499, MONDO:0009210, OMIM 227400.

Submission:

Labcorp Genetics (formerly Invitae), Labcorp
Classification: Uncertain significance for Congenital factor V deficiency. Last evaluated: 2025-04-14. Review status: criteria provided, single submitter. Criteria: Invitae Variant Classification Sherloc (09022015). Collection method: clinical testing. Allele origin: germline.
Comment: This sequence change replaces serine, which is neutral and polar, with phenylalanine, which is neutral and non-polar, at codon 2145 of the F5 protein (p.Ser2145Phe). This variant is not present in population databases (gnomAD no frequency). This variant has not been reported in the literature in individuals affected with F5-related conditions. Invitae Evidence Modeling of protein sequence and biophysical properties (such as structural, functional, and spatial information, amino acid conservation, physicochemical variation, residue mobility, and thermodynamic stability) indicates that this missense variant is not expected to disrupt F5 protein function with a negative predictive value of 95%. In summary, the available evidence is currently insufficient to determine the role of this variant in disease. Therefore, it has been classified as a Variant of Uncertain Significance.